The following is an entry in ClinVar:

NM_018417.6(ADCY10):c.4817T>G (p.Val1606Gly)

Gene: ADCY10 (adenylate cyclase 10; minus strand). Cytogenetic location: 1q24.2.
Variant type: single nucleotide variant.
Coding change: c.4817T>G on transcript NM_018417.6 (MANE Select); coding-DNA position 4817, T replaced by G.
Protein change: p.Val1606Gly; replaces valine 1606 with glycine.
Molecular consequence: missense variant.
Genome position (GRCh38, 1-based): chr1:167,809,694, A>C on the plus strand (T>G on the coding strand, the complement: ADCY10 is on the minus strand). VCF-style: chr1-167809694-A-C. GRCh37 (hg19) VCF-style: chr1-167778931-A-C.
Other names: c.4358T>G, p.Val1453Gly (NM_001167749.3); c.4541T>G, p.Val1514Gly (NM_001297772.2); short protein forms V1514G, V1606G, V1453G.
Identifiers: ClinVar variation 2851547 (VCV002851547.3), dbSNP rs2524815082, ClinGen allele CA343091593.

ClinVar aggregate classification (germline): Uncertain significance (1 of 4 stars; one submission).

Submission:

Labcorp Genetics (formerly Invitae), Labcorp
Classification: Uncertain significance. Last evaluated: 2023-04-02. Review status: criteria provided, single submitter. Criteria: Invitae Variant Classification Sherloc (09022015). Collection method: clinical testing. Allele origin: germline.
Comment: This variant has not been reported in the literature in individuals affected with ADCY10-related conditions. An algorithm developed to predict the effect of missense changes on protein structure and function (PolyPhen-2) suggests that this variant is likely to be tolerated. In summary, the available evidence is currently insufficient to determine the role of this variant in disease. Therefore, it has been classified as a Variant of Uncertain Significance. This variant is not present in population databases (gnomAD no frequency). This sequence change replaces valine, which is neutral and non-polar, with glycine, which is neutral and non-polar, at codon 1606 of the ADCY10 protein (p.Val1606Gly).